The following is an entry in ClinVar:

NM_020919.4(ALS2):c.3139G>A (p.Ala1047Thr)

Gene: ALS2 (alsin Rho guanine nucleotide exchange factor ALS2; minus strand). Cytogenetic location: 2q33.1.
Variant type: single nucleotide variant.
Coding change: c.3139G>A on transcript NM_020919.4 (MANE Select); coding-DNA position 3139, G replaced by A.
Protein change: p.Ala1047Thr; replaces alanine 1047 with threonine.
Molecular consequence: missense variant.
Genome position (GRCh38, 1-based): chr2:201,726,707, C>T on the plus strand (G>A on the coding strand, the complement: ALS2 is on the minus strand). VCF-style: chr2-201726707-C-T. GRCh37 (hg19) VCF-style: chr2-202591430-C-T.
Other names: c.3139G>A, p.Ala1047Thr (NM_001410975.1); short protein forms A1047T.
Identifiers: ClinVar variation 1901081 (VCV001901081.5), dbSNP rs748217864, ClinGen allele CA2057978.

ClinVar aggregate classification (germline): Uncertain significance (1 of 4 stars; one submission).

Conditions:
Infantile-onset ascending hereditary spastic paralysis (IAHSP). Also called: Infantile-Onset Ascending Hereditary Spastic Paralysis (IAHSP); Autosomal Recessive Juvenile Amyotrophic Lateral Sclerosis. Identifiers: Orphanet 293168, MedGen C2931441, MONDO:0011797, OMIM 607225. Disease mechanism: loss of function.

Allele frequency attached by ClinVar (database versions not stated): ExAC 0.00001; gnomAD exomes 0.00001.
gnomAD v4.1: 17 of 1,614,192 alleles (0.0011%); highest among the groups gnomAD compares: Non-Finnish European, 0.0014%; no homozygotes.

Submission:

Labcorp Genetics (formerly Invitae), Labcorp
Classification: Uncertain significance for Infantile-onset ascending hereditary spastic paralysis. Last evaluated: 2022-04-30. Review status: criteria provided, single submitter. Criteria: Invitae Variant Classification Sherloc (09022015). Collection method: clinical testing. Allele origin: germline.
Comment: Algorithms developed to predict the effect of missense changes on protein structure and function are either unavailable or do not agree on the potential impact of this missense change (SIFT: "Deleterious"; PolyPhen-2: "Probably Damaging"; Align-GVGD: "Class C0"). This variant has not been reported in the literature in individuals affected with ALS2-related conditions. This variant is present in population databases (rs748217864, gnomAD 0.0009%). This sequence change replaces alanine, which is neutral and non-polar, with threonine, which is neutral and polar, at codon 1047 of the ALS2 protein (p.Ala1047Thr). In summary, the available evidence is currently insufficient to determine the role of this variant in disease. Therefore, it has been classified as a Variant of Uncertain Significance.